The following is an entry in ClinVar:

ClinVar aggregate classification (germline): Pathogenic. Review status: criteria provided, multiple submitters, no conflicts (2 of 4 stars). 3 submissions from 3 submitters: Pathogenic (2). 1 of the submissions does not count toward it. Last evaluated 2021-11-07.

Conditions:
Spongy degeneration of central nervous system. Also called: Canavan disease; Von Bogaert-Bertrand disease; ACY2 DEFICIENCY; AMINOACYLASE 2 DEFICIENCY; ASP DEFICIENCY; ASPA DEFICIENCY. Identifiers: Orphanet 141, MedGen C0206307, MONDO:0010079, OMIM 271900.

Submissions (3):

Genome-Nilou Lab
Classification: Pathogenic for Spongy degeneration of central nervous system. Last evaluated: 2021-11-07. Review status: criteria provided, single submitter. Criteria: ACMG Guidelines, 2015. Collection method: clinical testing. Allele origin: germline. Affected: no.

Labcorp Genetics (formerly Invitae), Labcorp
Classification: Pathogenic for Spongy degeneration of central nervous system. Last evaluated: 2020-10-18. Review status: criteria provided, single submitter. Criteria: Invitae Variant Classification Sherloc (09022015). Collection method: clinical testing. Allele origin: germline.
Comment: This variant is not present in population databases (ExAC no frequency). This sequence change creates a premature translational stop signal (p.Val278Cysfs*6) in the ASPA gene. While this is not anticipated to result in nonsense mediated decay, it is expected to disrupt the last 36 amino acid(s) of the ASPA protein. This variant has not been reported in the literature in individuals with ASPA-related conditions. ClinVar contains an entry for this variant (Variation ID: 556989). For these reasons, this variant has been classified as Pathogenic. This variant disrupts the C-terminus of the ASPA protein. Other variant(s) that disrupt this region (p.Glu293Leufs*8) have been determined to be pathogenic (PMID: 8659549). This suggests that variants that disrupt this region of the protein are likely to be causative of disease.

Counsyl
Classification: Likely pathogenic for Spongy degeneration of central nervous system. Last evaluated: 2018-03-07. Review status: no assertion criteria provided. Collection method: clinical testing. Allele origin: unknown. Not counted in ClinVar's aggregate classification.

Literature cited by the submitters: PubMed 8659549 (cited by Labcorp Genetics (formerly Invitae), Labcorp).

NM_000049.4(ASPA):c.831del (p.Val278fs)

Genes: ASPA (aspartoacylase; plus strand), SPATA22 (spermatogenesis associated 22; minus strand). Cytogenetic location: 17p13.2.
Variant type: Deletion.
Coding change: c.831del on transcript NM_000049.4 (MANE Select); coding-DNA position 831, one base deleted (C; older notation c.831delC).
Protein change: p.Val278fs; shifts the reading frame from valine 278.
Molecular consequence: frameshift variant. On other transcripts: intron variant (2).
Genome position (GRCh38, 1-based): chr17:3,498,977, C deleted; the last of 2 consecutive C bases (chr17:3,498,976-3,498,977); deleting either gives the same sequence. VCF-style (leftmost placement, unchanged base first): chr17-3498975-AC-A. GRCh37 (hg19) VCF-style: chr17-3402269-AC-A.
Other names: c.831del, p.Val278fs (NM_001128085.1); c.-74+14436del (NM_001321336.2, NM_001321337.2); short protein forms V278fs.
Identifiers: ClinVar variation 556989 (VCV000556989.14), dbSNP rs1555541304, ClinGen allele CA658824257.